The following is an entry in ClinVar:

NM_006648.4(WNK2):c.2398G>C (p.Val800Leu)

Gene: WNK2 (WNK lysine deficient protein kinase 2; plus strand). Cytogenetic location: 9q22.31.
Variant type: single nucleotide variant.
Coding change: c.2398G>C on transcript NM_006648.4 (MANE Select); coding-DNA position 2398, G replaced by C.
Protein change: p.Val800Leu; replaces valine 800 with leucine.
Molecular consequence: missense variant.
Genome position (GRCh38, 1-based): chr9:93,258,946, G>C. VCF-style: chr9-93258946-G-C. GRCh37 (hg19) VCF-style: chr9-96021228-G-C.
Other names: c.2398G>C, p.Val800Leu (NM_001282394.3); short protein forms V800L.
Identifiers: ClinVar variation 4201860 (VCV004201860.1).

ClinVar aggregate classification (germline): Uncertain significance (1 of 4 stars; one submission).

Submission:

Ambry Genetics
Classification: Uncertain significance. Last evaluated: 2025-09-01. Review status: criteria provided, single submitter. Criteria: Ambry Variant Classification Scheme 2023. Collection method: clinical testing. Allele origin: germline.
Comment: The p.V800L variant (also known as c.2398G>C), located in coding exon 11 of the WNK2 gene, results from a G to C substitution at nucleotide position 2398. The valine at codon 800 is replaced by leucine, an amino acid with highly similar properties. This amino acid position is conserved. In addition, this alteration is predicted to be tolerated by in silico analysis. Based on the available evidence, the clinical significance of this variant remains unclear.